The following is an entry in ClinVar:

NM_005120.3(MED12):c.3296T>C (p.Leu1099Ser)

Gene: MED12 (mediator complex subunit 12; plus strand). Cytogenetic location: Xq13.1.
Variant type: single nucleotide variant.
Coding change: c.3296T>C on transcript NM_005120.3 (MANE Select); coding-DNA position 3296, T replaced by C.
Protein change: p.Leu1099Ser; replaces leucine 1099 with serine.
Molecular consequence: missense variant.
Genome position (GRCh38, 1-based): chrX:71,128,382, T>C. VCF-style: chrX-71128382-T-C. GRCh37 (hg19) VCF-style: chrX-70348232-T-C.
Other names: short protein forms L1099S.
Identifiers: ClinVar variation 2114787 (VCV002114787.4), dbSNP rs2519689107, ClinGen allele CA413518245.

ClinVar aggregate classification (germline): Uncertain significance (1 of 4 stars; one submission).

Conditions:
FG syndrome (FGS). Identifiers: MedGen C0220769, MONDO:0002010.

Submission:

Labcorp Genetics (formerly Invitae), Labcorp
Classification: Uncertain significance for FG syndrome. Last evaluated: 2022-03-20. Review status: criteria provided, single submitter. Criteria: Invitae Variant Classification Sherloc (09022015). Collection method: clinical testing. Allele origin: germline.
Comment: In summary, the available evidence is currently insufficient to determine the role of this variant in disease. Therefore, it has been classified as a Variant of Uncertain Significance. Advanced modeling of protein sequence and biophysical properties (such as structural, functional, and spatial information, amino acid conservation, physicochemical variation, residue mobility, and thermodynamic stability) performed at Invitae indicates that this missense variant is expected to disrupt MED12 protein function. This variant has not been reported in the literature in individuals affected with MED12-related conditions. This variant is not present in population databases (gnomAD no frequency). This sequence change replaces leucine, which is neutral and non-polar, with serine, which is neutral and polar, at codon 1099 of the MED12 protein (p.Leu1099Ser).